The following is an entry in ClinVar:

ClinVar aggregate classification (germline): Pathogenic. Review status: reviewed by expert panel (3 of 4 stars). 8 submissions from 8 submitters: Pathogenic (1). 7 of the submissions do not count toward it. Last evaluated 2019-08-11.

Conditions:
PAH-related disorder. Also called: PAH-related condition.
Phenylketonuria (PKU). Also called: Phenylketonuria (PKU); FOLLING DISEASE; OLIGOPHRENIA PHENYLPYRUVICA; Phenylketonurias. Identifiers: Orphanet 716, MedGen C0031485, MONDO:0009861, OMIM 261600. Disease mechanism: loss of function.

gnomAD v4.1: 3 of 1,614,000 alleles (0.00019%); highest among the groups gnomAD compares: Non-Finnish European, 0.00025%; no homozygotes.

Submissions (8):

ClinGen PAH Variant Curation Expert Panel
Classification: Pathogenic for Phenylketonuria. Last evaluated: 2019-08-11. Review status: reviewed by expert panel. Criteria: ClinGen PAH ACMG Specifications v1. Collection method: curation. Allele origin: germline. Inheritance: Autosomal recessive inheritance.
Comment: The PAH c.782G>C (p.Arg261Pro) variant has been reported in multiple affected individuals (PMID: 26666653, Bh4 deficiency not ruled out, PP4). It has been detected with 5 known pathogenic variants (PM3_S). It is absent from ExAC/gnomAD. Computational evidence supports a deleterious effect. Also, p.R261Q is interpreted as pathogenic. In summary, this variant meets criteria to be classified as pathogenic for PAH. PAH-specific ACMG/AMP criteria applied: PM3_S, PM2, PM5, PP4, PP3.

Blueprint Genetics
Classification: Pathogenic for PAH-related disorders. Last evaluated: 2024-08-08. Review status: criteria provided, single submitter. Criteria: ACMG Guidelines, 2015. Collection method: clinical testing. Allele origin: germline. Affected: yes. Observed: 1 variant allele. Not counted in ClinVar's aggregate classification.

Women's Health and Genetics/Laboratory Corporation of America, LabCorp
Classification: Pathogenic for Phenylketonuria. Last evaluated: 2024-07-10. Review status: criteria provided, single submitter. Criteria: LabCorp Variant Classification Summary - May 2015. Collection method: clinical testing. Allele origin: germline. Not counted in ClinVar's aggregate classification.
Comment: Variant summary: PAH c.782G>C (p.Arg261Pro) results in a non-conservative amino acid change located in the Aromatic amino acid hydroxylase, C-terminal domain (IPR019774) of the encoded protein sequence. Five of five in-silico tools predict a damaging effect of the variant on protein function. The variant was absent in 251358 control chromosomes. c.782G>C has been reported in the literature in multiple individuals affected with Phenylalanine Hydroxylase Deficiency (Phenylketonuria), including as a compound heterozygous phenotype (e.g. Jeannesson-Thivisol_2015). These data indicate that the variant is likely to be associated with disease. A different variant affecting the same codon has been classified as pathogenic by our lab (c.782G>A, p.Arg261Gln), supporting the critical relevance of codon 261 to PAH protein function. At least one publication reports experimental evidence evaluating an impact on protein function. The most pronounced variant effect results in ~10% of normal enzyme activity in vitro (e.g. Trunzo_2016). The following publications have been ascertained in the context of this evaluation (PMID: 26666653, 27620137). ClinVar contains an entry for this variant (Variation ID: 102832). Based on the evidence outlined above, the variant was classified as pathogenic.

Labcorp Genetics (formerly Invitae), Labcorp
Classification: Pathogenic for Phenylketonuria. Last evaluated: 2022-06-11. Review status: criteria provided, single submitter. Criteria: Invitae Variant Classification Sherloc (09022015). Collection method: clinical testing. Allele origin: germline. Not counted in ClinVar's aggregate classification.
Comment: This missense change has been observed in individuals with phenylketonuria (PMID: 32668217). This variant is not present in population databases (gnomAD no frequency). This sequence change replaces arginine, which is basic and polar, with proline, which is neutral and non-polar, at codon 261 of the PAH protein (p.Arg261Pro). ClinVar contains an entry for this variant (Variation ID: 102832). For these reasons, this variant has been classified as Pathogenic. This variant disrupts the p.Arg261 amino acid residue in PAH. Other variant(s) that disrupt this residue have been determined to be pathogenic (PMID: 2574153, 16765994). This suggests that this residue is clinically significant, and that variants that disrupt this residue are likely to be disease-causing. Experimental studies have shown that this missense change affects PAH function (PMID: 27620137). Advanced modeling of protein sequence and biophysical properties (such as structural, functional, and spatial information, amino acid conservation, physicochemical variation, residue mobility, and thermodynamic stability) performed at Invitae indicates that this missense variant is expected to disrupt PAH protein function.

Counsyl
Classification: Likely pathogenic for Phenylketonuria. Last evaluated: 2016-01-19. Review status: no assertion criteria provided. Collection method: clinical testing. Allele origin: unknown. Not counted in ClinVar's aggregate classification.

DeBelle Laboratory for Biochemical Genetics, MUHC/MCH RESEARCH INSTITUTE
No classification provided. Review status: no classification provided. Collection method: not provided. Allele origin: not provided. Not counted in ClinVar's aggregate classification.

Genome Diagnostics Laboratory, University Medical Center Utrecht
Classification: Pathogenic. Review status: no assertion criteria provided. Collection method: clinical testing. Allele origin: germline. Affected: yes. Study: VKGL Data-share Consensus. Not counted in ClinVar's aggregate classification.

Joint Genome Diagnostic Labs from Nijmegen and Maastricht, Radboudumc and MUMC+
Classification: Pathogenic. Review status: no assertion criteria provided. Collection method: clinical testing. Allele origin: germline. Affected: yes. Study: VKGL Data-share Consensus. Not counted in ClinVar's aggregate classification.

Literature cited by the submitters: PubMed 26666653 (cited by ClinGen PAH Variant Curation Expert Panel and Women's Health and Genetics/Laboratory Corporation of America, LabCorp); PubMed 27620137 (cited by Women's Health and Genetics/Laboratory Corporation of America, LabCorp and Labcorp Genetics (formerly Invitae), Labcorp); PubMed 32668217 (cited by Labcorp Genetics (formerly Invitae), Labcorp); PubMed 2574153 (cited by Labcorp Genetics (formerly Invitae), Labcorp); PubMed 16765994 (cited by Labcorp Genetics (formerly Invitae), Labcorp); PubMed 23514811 (cited by Counsyl); PubMed 9634518 (cited by Counsyl); PubMed 18299955 (cited by Counsyl); PubMed 23842451 (cited by Counsyl); PubMed 23430918 (cited by Counsyl).

NM_000277.3(PAH):c.782G>C (p.Arg261Pro)

Gene: PAH (phenylalanine hydroxylase; minus strand). Cytogenetic location: 12q23.2.
Variant type: single nucleotide variant.
Coding change: c.782G>C on transcript NM_000277.3 (MANE Select); coding-DNA position 782, G replaced by C.
Protein change: p.Arg261Pro; replaces arginine 261 with proline.
Molecular consequence: missense variant.
Genome position (GRCh38, 1-based): chr12:102,852,875, C>G on the plus strand (G>C on the coding strand, the complement: PAH is on the minus strand). VCF-style: chr12-102852875-C-G. GRCh37 (hg19) VCF-style: chr12-103246653-C-G.
Other names: c.782G>C, p.Arg261Pro (NM_001354304.2); short protein forms R261P.
Identifiers: ClinVar variation 102832 (VCV000102832.13), dbSNP rs5030849, ClinGen allele CA229759.
Genomic context (GRCh38, chr12:102,852,875, plus strand): 5'-GGTTCGGGGGTATACATGGGCTTGGATCCATGTCTGATGTACTGTGTGCAGTGGAAGACT[C>G]GGAAGGCCAGGCCACCCAAGAAATCCCGAGAGGAAAGCAGGCCAGCCACAGGTCGGAGGC-3'
Protein context (NP_000268.1, residues 251-271): SRDFLGGLAF[Arg261Pro]VFHCTQYIRH